The following is an entry in ClinVar:

ClinVar aggregate classification (germline): Uncertain significance (1 of 4 stars; one submission).

Conditions:
Charcot-Marie-Tooth disease axonal type 2O. Also called: CHARCOT-MARIE-TOOTH NEUROPATHY, AXONAL, TYPE 2O; CHARCOT-MARIE-TOOTH DISEASE, AXONAL, AUTOSOMAL DOMINANT, TYPE 2O; Charcot-Marie-Tooth Neuropathy Type 2O; Charcot-Marie-Tooth disease, axonal, type 20. Identifiers: Orphanet 284232, MedGen C3280220, MONDO:0013644, OMIM 614228.

Submission:

Labcorp Genetics (formerly Invitae), Labcorp
Classification: Uncertain significance for Charcot-Marie-Tooth disease axonal type 2O. Last evaluated: 2023-08-14. Review status: criteria provided, single submitter. Criteria: Invitae Variant Classification Sherloc (09022015). Collection method: clinical testing. Allele origin: germline.
Comment: In summary, the available evidence is currently insufficient to determine the role of this variant in disease. Therefore, it has been classified as a Variant of Uncertain Significance. This variant, c.12334_12336del, results in the deletion of 1 amino acid(s) of the DYNC1H1 protein (p.Lys4112del), but otherwise preserves the integrity of the reading frame. This variant is not present in population databases (gnomAD no frequency). This variant has not been reported in the literature in individuals affected with DYNC1H1-related conditions. Experimental studies and prediction algorithms are not available or were not evaluated, and the functional significance of this variant is currently unknown.

NM_001376.5(DYNC1H1):c.12331AAG[1] (p.Lys4112del)

Gene: DYNC1H1 (dynein cytoplasmic 1 heavy chain 1; plus strand). Cytogenetic location: 14q32.31.
Variant type: Microsatellite.
Coding change: c.12331AAG[1] on transcript NM_001376.5 (MANE Select); one copy of the 3-base unit AAG starting at c.12331; the reference has two copies in a row; one copy, 3 bases deleted.
Protein change: p.Lys4112del; deletes lysine 4112.
Molecular consequence: inframe deletion.
Genome position (GRCh38, 1-based): chr14:102,042,442-102,042,444, AAG deleted; deleting any 3 consecutive bases within chr14:102,042,437-102,042,444 gives the same sequence; the position shown is the placement nearest the transcript's 3' end. VCF-style (leftmost placement, unchanged base first): chr14-102042436-GAGA-G. GRCh37 (hg19) VCF-style: chr14-102508773-GAGA-G.
Other names: short protein forms K4112del.
Identifiers: ClinVar variation 2866677 (VCV002866677.3), dbSNP rs2503858996, ClinGen allele CA2739279979.